The following is an entry in ClinVar:

ClinVar aggregate classification (germline): Pathogenic (1 of 4 stars; one submission).

Conditions:
Charcot-Marie-Tooth disease type 2. Also called: Charcot-Marie-Tooth type 2. Identifiers: Orphanet 64746, MedGen C0270914, MONDO:0018993.

Submission:

Labcorp Genetics (formerly Invitae), Labcorp
Classification: Pathogenic for Charcot-Marie-Tooth disease type 2. Last evaluated: 2025-12-27. Review status: criteria provided, single submitter. Criteria: Invitae Variant Classification Sherloc (09022015). Collection method: clinical testing. Allele origin: germline.
Comment: This variant, c.1110_1115del, results in the deletion of 2 amino acid(s) of the LMNA protein (p.Asp370_Met371del), but otherwise preserves the integrity of the reading frame. This variant is not present in population databases (gnomAD no frequency). This variant has not been reported in the literature in individuals affected with LMNA-related conditions. This variant disrupts a region of the LMNA protein in which other variant(s) (p.Asp370Glu) have been determined to be pathogenic (PMID: 32571898). This suggests that this is a clinically significant region of the protein, and that variants that disrupt it are likely to be disease-causing. For these reasons, this variant has been classified as Pathogenic.

Literature cited by the submitters: PubMed 32571898.

NM_170707.4(LMNA):c.1110_1115del (p.Asp370_Met371del)

Gene: LMNA (lamin A/C; plus strand). Cytogenetic location: 1q22.
Variant type: Deletion.
Coding change: c.1110_1115del on transcript NM_170707.4 (MANE Select); coding-DNA positions 1110 to 1115, 6 bases deleted (CATGGA; older notation c.1110_1115delCATGGA).
Protein change: p.Asp370_Met371del.
Molecular consequence: inframe deletion.
Genome position (GRCh38, 1-based): chr1:156,136,074-156,136,079, CATGGA deleted; deleting any 6 consecutive bases within chr1:156,136,070-156,136,079 gives the same sequence; the c. name uses the placement nearest the transcript's 3' end. VCF-style (leftmost placement, unchanged base first): chr1-156136069-CTGGACA-C. GRCh37 (hg19) VCF-style: chr1-156105860-CTGGACA-C.
Other names: c.774_779del, p.Asp258_Met259del (NM_001257374.3, NM_001406989.1, NM_001406998.1); c.867_872del, p.Asp289_Met290del (NM_001282624.2, NM_001406986.1, NM_001406987.1); c.1110_1115del, p.Asp370_Met371del (NM_001282625.2, NM_001282626.2, NM_001406983.1 and 6 more transcripts); c.813_818del, p.Asp271_Met272del (NM_001406988.1); c.552_557del, p.Asp184_Met185del (NM_001406990.1, NM_001406993.1, NM_001406995.1 and 4 more transcripts); c.486_491del, p.Asp162_Met163del (NM_001406994.1, NM_001406999.1, NM_001407000.1 and 1 more transcripts).
Identifiers: ClinVar variation 4730000 (VCV004730000.1).